The following is an entry in ClinVar:

GRCh37/hg19 10q26.3(chr10:131515269-135427143)x1

Genes: ADAM8 (ADAM metallopeptidase domain 8; minus strand), ADGRA1 (adhesion G protein-coupled receptor A1; plus strand), BNIP3 (BCL2 interacting protein 3; minus strand), CALY (calcyon neuron specific vesicular protein; minus strand), CFAP46 (cilia and flagella associated protein 46; minus strand) and 28 more. Cytogenetic location: 10q26.3.
Variant type: copy number loss.
Change: copy number 1 (one copy instead of two) of chr10:131,515,269-135,427,143 (3.91 Mb, GRCh37 coordinates, 1-based), cytogenetic band 10q26.3.
Identifiers: ClinVar variation 4682769 (VCV004682769.1).

ClinVar aggregate classification (germline): Pathogenic (1 of 4 stars; one submission).

Submission:

Quest Diagnostics Nichols Institute San Juan Capistrano
Classification: Pathogenic. Last evaluated: 2025-04-22. Review status: criteria provided, single submitter. Criteria: ACMG/ClinGen CNV Guidelines, 2019. Collection method: clinical testing. Allele origin: unknown.
Comment: This 10q26.3qter deletion involves at least 33 protein-coding genes, including EBF3 (OMIM 607407). Haploinsufficiency of EBF3 is associated with autosomal dominant hypotonia, ataxia, and delayed development syndrome (HADD, OMIM 617330). In addition, deletions contained within 10q26.3 are associated with chromosome 10q26 deletion syndrome (OMIM 609625, Lin 2016, Yatsenko 2009), and multiple reports have associated the current region with various phenotypes (Ignatius 2020, Lacaria 2017, Lin 2016, Lopes 2017, Nishi 2021, Plaisancie 2014). There are no similar copy number losses of this region in the general populations of the Database of Genomic Variants. Therefore, this copy number variant (CNV) is classified as pathogenic. References: Ignatius et al., Neurol Genet. 2020 Jun 5;6(4):e444. PMID: 32637629 Lacaria et al., Am J Med Genet A. 2017 Jun;173(6):1611-1619. PMID: 28432728 Lin et al., Mol Med Rep. 2016 Dec;14(6):5134-5140. PMID: 27779662 Lopes et al., Front Genet. 2017 Oct 9;8:143. PMID: 29062322 Nishi et al., Am J Med Genet A. 2021 Oct;185(10):2913-2921. PMID: 34050706 Plaisancie et al., Eur J Med Genet. 2014 Jan;57(1):47-53. PMID: 24275544 Yatsenko et al., Clin Genet. 2009 Jul;76(1):54-62. PMID: 19558528